The following is an entry in ClinVar:

NM_001130009.3(GEN1):c.1213A>G (p.Thr405Ala)

Gene: GEN1 (GEN1 Holliday junction 5' flap endonuclease; plus strand). Cytogenetic location: 2p24.2.
Variant type: single nucleotide variant.
Coding change: c.1213A>G on transcript NM_001130009.3 (MANE Select); coding-DNA position 1213, A replaced by G.
Protein change: p.Thr405Ala; replaces threonine 405 with alanine.
Molecular consequence: missense variant.
Genome position (GRCh38, 1-based): chr2:17,778,012, A>G. VCF-style: chr2-17778012-A-G. GRCh37 (hg19) VCF-style: chr2-17959279-A-G.
Other names: c.1213A>G, p.Thr405Ala (NM_182625.5); short protein forms T405A.
Identifiers: ClinVar variation 3853593 (VCV003853593.1).

ClinVar aggregate classification (germline): Uncertain significance (1 of 4 stars; one submission).

Submission:

Ambry Genetics
Classification: Uncertain significance. Last evaluated: 2025-02-25. Review status: criteria provided, single submitter. Criteria: Ambry Variant Classification Scheme 2023. Collection method: clinical testing. Allele origin: germline.
Comment: The p.T405A variant (also known as c.1213A>G), located in coding exon 11 of the GEN1 gene, results from an A to G substitution at nucleotide position 1213. The threonine at codon 405 is replaced by alanine, an amino acid with similar properties. This amino acid position is conserved. In addition, this alteration is predicted to be tolerated by in silico analysis. Based on the available evidence, the clinical significance of this variant remains unclear.